The following is an entry in ClinVar:

ClinVar aggregate classification (germline): Likely benign. Review status: criteria provided, single submitter (1 of 4 stars). 2 submissions from 2 submitters: Likely benign (1). 1 of the submissions does not count toward it. Last evaluated 2023-03-13.

Conditions:
Joubert syndrome. Also called: CEREBELLOPARENCHYMAL DISORDER IV; JOUBERT-BOLTSHAUSER SYNDROME; Familial aplasia of the vermis. Identifiers: Orphanet 475, MedGen C5979921, MONDO:0018772.
Nephronophthisis. Also called: Juvenile Nephronophthisis. Identifiers: Orphanet 655, MedGen C0687120, MONDO:0019005, HP:0000090.
Meckel-Gruber syndrome. Also called: DYSENCEPHALIA SPLANCHNOCYSTICA; GRUBER SYNDROME; Dysencephalia splachnocystica. Identifiers: Orphanet 564, MedGen C0265215, MONDO:0018921.
CEP290-related disorder. Also called: CEP290-related condition; CEP290-related disorders. Identifiers: MedGen CN239314.

Allele frequency attached by ClinVar (database versions not stated): gnomAD exomes below 0.00001.
gnomAD v4.1: 2 of 1,605,058 alleles (0.00012%); highest among the groups gnomAD compares: Admixed American, 0.0017%; no homozygotes.

Submissions (2):

Labcorp Genetics (formerly Invitae), Labcorp
Classification: Likely benign for Joubert syndrome; Meckel-Gruber syndrome; Nephronophthisis. Last evaluated: 2023-03-13. Review status: criteria provided, single submitter. Criteria: Invitae Variant Classification Sherloc (09022015). Collection method: clinical testing. Allele origin: germline.

PreventionGenetics, part of Exact Sciences
Classification: Likely benign for CEP290-related condition. Last evaluated: 2021-05-04. Review status: no assertion criteria provided. Collection method: clinical testing. Allele origin: germline. Not counted in ClinVar's aggregate classification.
Comment: This variant is classified as likely benign based on ACMG/AMP sequence variant interpretation guidelines (Richards et al. 2015 PMID: 25741868, with internal and published modifications).

NM_025114.4(CEP290):c.5997T>C (p.Asp1999=)

Gene: CEP290 (centrosomal protein 290; minus strand). Cytogenetic location: 12q21.32.
Variant type: single nucleotide variant.
Coding change: c.5997T>C on transcript NM_025114.4 (MANE Select); coding-DNA position 5997, T replaced by C.
Protein change: p.Asp1999=; no amino-acid change (aspartic acid 1999 retained).
Molecular consequence: synonymous variant.
Genome position (GRCh38, 1-based): chr12:88,071,308, A>G on the plus strand (T>C on the coding strand, the complement: CEP290 is on the minus strand). VCF-style: chr12-88071308-A-G. GRCh37 (hg19) VCF-style: chr12-88465085-A-G.
Identifiers: ClinVar variation 2934555 (VCV002934555.5), dbSNP rs1181495089, ClinGen allele CA481071914.
Genomic context (GRCh38, chr12:88,071,308, plus strand): 5'-CAGTTTTTCATTACAATGGGTGGCACATTTCCACATAATAGCTTACCTCATATACAATAT[A>G]TCATTTTCTAAGTCAAGATTTCTCTTTTTTAATTCTTCCAATTCTTTTTCTGACTCCAAA-3'
Protein context (NP_079390.3, residues 1989-2009): LKKRNLDLEN[Asp1999=]ILYMRAHQAL